The following is an entry in ClinVar:

NM_001042492.3(NF1):c.6762T>A (p.Cys2254Ter)

Gene: NF1 (neurofibromin 1; plus strand). Cytogenetic location: 17q11.2.
Variant type: single nucleotide variant.
Coding change: c.6762T>A on transcript NM_001042492.3 (MANE Select); coding-DNA position 6762, T replaced by A.
Protein change: p.Cys2254Ter; replaces cysteine 2254 with a stop codon.
Molecular consequence: nonsense.
Genome position (GRCh38, 1-based): chr17:31,338,082, T>A. VCF-style: chr17-31338082-T-A. GRCh37 (hg19) VCF-style: chr17-29665100-T-A.
Other names: c.6699T>A, p.Cys2233Ter (NM_000267.4); short protein forms C2233*, C2254*.
Identifiers: ClinVar variation 3649261 (VCV003649261.2).

ClinVar aggregate classification (germline): Pathogenic (1 of 4 stars; one submission).

Conditions:
Neurofibromatosis, type 1 (NF1). Also called: Peripheral type neurofibromatosis; VON RECKLINGHAUSEN DISEASE; Neurofibromatosis, type I; NEUROFIBROMATOSIS, TYPE I, SOMATIC. Identifiers: Orphanet 636, MedGen C0027831, MONDO:0018975, OMIM 162200. Disease mechanism: loss of function.

Submission:

Labcorp Genetics (formerly Invitae), Labcorp
Classification: Pathogenic for Neurofibromatosis, type 1. Last evaluated: 2024-04-09. Review status: criteria provided, single submitter. Criteria: Invitae Variant Classification Sherloc (09022015). Collection method: clinical testing. Allele origin: germline.
Comment: This sequence change creates a premature translational stop signal (p.Cys2233*) in the NF1 gene. It is expected to result in an absent or disrupted protein product. Loss-of-function variants in NF1 are known to be pathogenic (PMID: 10712197, 23913538). This variant is not present in population databases (gnomAD no frequency). This variant has not been reported in the literature in individuals affected with NF1-related conditions. For these reasons, this variant has been classified as Pathogenic.

Literature cited by the submitters: PubMed 10712197; PubMed 23913538.